The following is an entry in ClinVar:

NM_001370298.3(FGD4):c.1923-7A>G

Gene: FGD4 (FYVE, RhoGEF and PH domain containing 4; plus strand). Cytogenetic location: 12p11.21.
Variant type: single nucleotide variant.
Coding change: c.1923-7A>G on transcript NM_001370298.3 (MANE Select); 7 bases into the intron before coding-DNA position 1923, A replaced by G.
Molecular consequence: intron variant.
Genome position (GRCh38, 1-based): chr12:32,624,415, A>G. VCF-style: chr12-32624415-A-G. GRCh37 (hg19) VCF-style: chr12-32777349-A-G.
Other names: c.1923-7A>G (NM_001384126.1); c.1767-7A>G (NM_001304481.2); c.1233-7A>G (NM_001330374.2, NM_001330373.2, NM_001384130.1); c.1512-7A>G (NM_139241.3, NM_001384127.1, NM_001385118.1 and 1 more transcripts); c.480-7A>G (NM_001304484.2); c.960-7A>G (NM_001370297.1); c.768-7A>G (NM_001304483.2).
Identifiers: ClinVar variation 516577 (VCV000516577.53), dbSNP rs200542541, ClinGen allele CA6506909.
Genomic context (GRCh38, chr12:32,624,415, plus strand): 5'-TAGTTTTATTCACCCAGTGTGAATCATTAATATTATTTACATTCACTTTAATTTTGTTTT[A>G]TTTTAGTTCTGCGCAAGACAAAGAAGAATGGATCAAGGTAAGCCTCATTTCTGTTTCCTT-3'

ClinVar aggregate classification (germline): Conflicting classifications of pathogenicity. Review status: criteria provided, conflicting classifications (1 of 4 stars). 6 submissions from 6 submitters: Uncertain significance (1); Benign (1); Likely benign (4). Last evaluated 2026-01-20.

Conditions:
Charcot-Marie-Tooth disease type 4. Also called: Charcot-Marie-Tooth disease, type IV; Charcot-Marie-Tooth, Type 4. Identifiers: Orphanet 64749, MedGen C4082197, MONDO:0018995.
FGD4-related disorder. Also called: FGD4-related condition.

Allele frequency attached by ClinVar (database versions not stated): gnomAD exomes 0.00017 and 0.00027; gnomAD 0.00020 and 0.00021; TOPMed 0.00021; ExAC 0.00025.
gnomAD v4.1: 290 of 1,590,516 alleles (0.018%); highest among the groups gnomAD compares: Non-Finnish European, 0.0027%; 2 homozygotes.

Submissions (6):

Women's Health and Genetics/Laboratory Corporation of America, LabCorp
Classification: Likely benign. Last evaluated: 2026-01-20. Review status: criteria provided, single submitter. Criteria: LabCorp Variant Classification Summary - May 2015. Collection method: clinical testing. Allele origin: germline.

PreventionGenetics, part of Exact Sciences
Classification: Likely benign for FGD4-related condition. Last evaluated: 2026-01-13. Review status: criteria provided, single submitter. Criteria: ACMG Guidelines, 2015. Collection method: clinical testing. Allele origin: germline.
Comment: This variant is classified as likely benign based on ACMG/AMP sequence variant interpretation guidelines (Richards et al. 2015 PMID: 25741868, with internal and published modifications).

Labcorp Genetics (formerly Invitae), Labcorp
Classification: Likely benign for Charcot-Marie-Tooth disease type 4. Last evaluated: 2025-12-26. Review status: criteria provided, single submitter. Criteria: Invitae Variant Classification Sherloc (09022015). Collection method: clinical testing. Allele origin: germline.

Athena Diagnostics
Classification: Benign. Last evaluated: 2024-08-21. Review status: criteria provided, single submitter. Criteria: Athena Diagnostics Criteria. Collection method: clinical testing. Allele origin: unknown.

CeGaT Center for Human Genetics Tuebingen
Classification: Uncertain significance. Last evaluated: 2022-03-01. Review status: criteria provided, single submitter. Criteria: CeGaT Center For Human Genetics Tuebingen Variant Classification Criteria Version 2. Collection method: clinical testing. Allele origin: germline. Affected: yes. Observed: 1 variant allele.
Comment: FGD4: PM2, BP4

GeneDx
Classification: Likely benign. Last evaluated: 2017-06-06. Review status: criteria provided, single submitter. Criteria: GeneDx Variant Classification (06012015). Collection method: clinical testing. Allele origin: germline. Affected: yes.
Comment: This variant is considered likely benign or benign based on one or more of the following criteria: it is a conservative change, it occurs at a poorly conserved position in the protein, it is predicted to be benign by multiple in silico algorithms, and/or has population frequency not consistent with disease.